The following is an entry in ClinVar:

NM_194248.3(OTOF):c.5103+2T>A

Genes: OTOF (otoferlin; minus strand), LOC112840921 (BRD4-independent group 4 enhancer GRCh37_chr2:26685720-26686919; plus strand). Cytogenetic location: 2p23.3.
Variant type: single nucleotide variant.
Coding change: c.5103+2T>A on transcript NM_194248.3 (MANE Select); the canonical splice donor site of the intron after coding-DNA position 5103, T replaced by A.
Molecular consequence: splice donor variant.
Genome position (GRCh38, 1-based): chr2:26,463,962, A>T on the plus strand (T>A on the coding strand, the complement: OTOF is on the minus strand). VCF-style: chr2-26463962-A-T. GRCh37 (hg19) VCF-style: chr2-26686830-A-T.
Other names: c.5103+2T>A (NM_001287489.2); c.2802+2T>A (NM_194323.3, NM_004802.4); c.3033+2T>A (NM_194322.3).
Identifiers: ClinVar variation 632065 (VCV000632065.7), dbSNP rs1323329701, ClinGen allele CA346133640.

ClinVar aggregate classification (germline): Likely pathogenic (1 of 4 stars; one submission).

Allele frequency attached by ClinVar (database versions not stated): gnomAD exomes below 0.00001.
gnomAD v4.1: 2 of 1,613,462 alleles (0.00012%); highest among the groups gnomAD compares: Middle Eastern, 0.016%; no homozygotes.

Submission:

Labcorp Genetics (formerly Invitae), Labcorp
Classification: Likely pathogenic. Last evaluated: 2023-04-06. Review status: criteria provided, single submitter. Criteria: Invitae Variant Classification Sherloc (09022015). Collection method: clinical testing. Allele origin: germline.
Comment: This variant has not been reported in the literature in individuals affected with OTOF-related conditions. In summary, the currently available evidence indicates that the variant is pathogenic, but additional data are needed to prove that conclusively. Therefore, this variant has been classified as Likely Pathogenic. Algorithms developed to predict the effect of sequence changes on RNA splicing suggest that this variant may disrupt the consensus splice site. ClinVar contains an entry for this variant (Variation ID: 632065). This variant is present in population databases (no rsID available, gnomAD 0.003%). This sequence change affects a donor splice site in intron 40 of the OTOF gene. It is expected to disrupt RNA splicing. Variants that disrupt the donor or acceptor splice site typically lead to a loss of protein function (PMID: 16199547), and loss-of-function variants in OTOF are known to be pathogenic (PMID: 18381613, 19250381, 22575033).

Literature cited by the submitters: PubMed 16199547; PubMed 18381613; PubMed 19250381; PubMed 22575033.